The following is an entry in ClinVar:

NM_152296.5(ATP1A3):c.2977_2982dup (p.Ile994_Arg995insGluIle)

Gene: ATP1A3 (ATPase Na+/K+ transporting subunit alpha 3; minus strand). Cytogenetic location: 19q13.2.
Variant type: Duplication.
Coding change: c.2977_2982dup on transcript NM_152296.5 (MANE Select); coding-DNA positions 2977 to 2982, 6 bases duplicated (GAAATC; older notation c.2977_2982dupGAAATC).
Protein change: p.Ile994_Arg995insGluIle.
Molecular consequence: inframe insertion.
Genome position (GRCh38, 1-based): chr19:41,967,280-41,967,285, GATTTC duplicated on the plus strand (GAAATC on the coding strand, the reverse complement: ATP1A3 is on the minus strand); duplicating any 6 consecutive bases within chr19:41,967,280-41,967,286 gives the same sequence; the c. name uses the placement nearest the transcript's 3' end. VCF-style (leftmost placement, unchanged base first): chr19-41967279-G-GGATTTC. GRCh37 (hg19) VCF-style: chr19-42471431-G-GGATTTC.
Other names: c.3010_3015dup, p.Ile1005_Arg1006insGluIle (NM_001256213.2); c.3016_3021dup, p.Ile1007_Arg1008insGluIle (NM_001256214.2).
Identifiers: ClinVar variation 2122184 (VCV002122184.4), dbSNP rs2514023621, ClinGen allele CA2580097315.

ClinVar aggregate classification (germline): Likely pathogenic (1 of 4 stars; one submission).

Conditions:
Dystonia 12 (DYT12). Also called: Rapid-Onset Dystonia-Parkinsonism (RDP); DYT-ATP1A3. Identifiers: Orphanet 71517, MedGen C1868681, MONDO:0007496, OMIM 128235.

Submission:

Labcorp Genetics (formerly Invitae), Labcorp
Classification: Likely pathogenic for Dystonia 12. Last evaluated: 2022-06-02. Review status: criteria provided, single submitter. Criteria: Invitae Variant Classification Sherloc (09022015). Collection method: clinical testing. Allele origin: germline.
Comment: In summary, the currently available evidence indicates that the variant is pathogenic, but additional data are needed to prove that conclusively. Therefore, this variant has been classified as Likely Pathogenic. This variant has been observed in individual(s) with epileptic encephalopathy (Invitae). In at least one individual the variant was observed to be de novo. This variant is not present in population databases (gnomAD no frequency). This variant, c.2977_2982dup, results in the insertion of 2 amino acid(s) of the ATP1A3 protein (p.Glu993_Ile994dup), but otherwise preserves the integrity of the reading frame.